The following is an entry in ClinVar:

ClinVar aggregate classification (germline): Uncertain significance. Review status: criteria provided, multiple submitters, no conflicts (2 of 4 stars). 3 submissions from 3 submitters: Uncertain significance (3). Last evaluated 2026-08-20.

Conditions:
Cardiovascular phenotype. Identifiers: MedGen CN230736.
Hereditary cancer-predisposing syndrome. Also called: Neoplastic Syndromes, Hereditary; Tumor predisposition; Hereditary Cancer Syndrome; Hereditary neoplastic syndrome. Identifiers: Orphanet 140162, MedGen C0027672, MeSH D009386, MONDO:0015356.
Neurofibromatosis, type 1 (NF1). Also called: VON RECKLINGHAUSEN DISEASE; NEUROFIBROMATOSIS, TYPE I, SOMATIC; Peripheral type neurofibromatosis; Neurofibromatosis, type I. Identifiers: Orphanet 636, MedGen C0027831, MONDO:0018975, OMIM 162200. Disease mechanism: loss of function.

Allele frequency attached by ClinVar (database versions not stated): gnomAD 0.00001.
gnomAD v4.1: 1 of 1,602,534 alleles (0.000062%); highest among the groups gnomAD compares: Non-Finnish European, 0.000085%; no homozygotes.

Submissions (3):

Ambry Genetics
Classification: Uncertain significance for Cardiovascular phenotype; Hereditary cancer-predisposing syndrome. Last evaluated: 2026-08-20. Review status: criteria provided, single submitter. Criteria: Ambry Variant Classification Scheme 2023. Collection method: clinical testing. Allele origin: germline.
Comment: The p.V1432D variant (also known as c.4295T>A), located in coding exon 32 of the NF1 gene, results from a T to A substitution at nucleotide position 4295. The valine at codon 1432 is replaced by aspartic acid, an amino acid with highly dissimilar properties. This amino acid position is highly conserved in available vertebrate species. In addition, this alteration is predicted to be deleterious by in silico analysis. Based on the available evidence, the clinical significance of this variant remains unclear.

Greenwood Genetic Center Diagnostic Laboratories, Greenwood Genetic Center
Classification: Uncertain significance. Last evaluated: 2024-07-24. Review status: criteria provided, single submitter. Criteria: ACMG Guidelines, 2015. Collection method: clinical testing. Allele origin: germline. Affected: yes.
Comment: PM1, PP3, PP2

Labcorp Genetics (formerly Invitae), Labcorp
Classification: Uncertain significance for Neurofibromatosis, type 1. Last evaluated: 2024-02-19. Review status: criteria provided, single submitter. Criteria: Invitae Variant Classification Sherloc (09022015). Collection method: clinical testing. Allele origin: germline.
Comment: This sequence change replaces valine, which is neutral and non-polar, with aspartic acid, which is acidic and polar, at codon 1432 of the NF1 protein (p.Val1432Asp). This variant is not present in population databases (gnomAD no frequency). This variant has not been reported in the literature in individuals affected with NF1-related conditions. Advanced modeling of protein sequence and biophysical properties (such as structural, functional, and spatial information, amino acid conservation, physicochemical variation, residue mobility, and thermodynamic stability) performed at Invitae indicates that this missense variant is expected to disrupt NF1 protein function with a positive predictive value of 95%. In summary, the available evidence is currently insufficient to determine the role of this variant in disease. Therefore, it has been classified as a Variant of Uncertain Significance.

NM_001042492.3(NF1):c.4358T>A (p.Val1453Asp)

Gene: NF1 (neurofibromin 1; plus strand). Cytogenetic location: 17q11.2.
Variant type: single nucleotide variant.
Coding change: c.4358T>A on transcript NM_001042492.3 (MANE Select); coding-DNA position 4358, T replaced by A.
Protein change: p.Val1453Asp; replaces valine 1453 with aspartic acid.
Molecular consequence: missense variant.
Genome position (GRCh38, 1-based): chr17:31,259,057, T>A. VCF-style: chr17-31259057-T-A. GRCh37 (hg19) VCF-style: chr17-29586075-T-A.
Other names: c.4295T>A, p.Val1432Asp (NM_000267.4); short protein forms V1432D, V1453D.
Identifiers: ClinVar variation 3237779 (VCV003237779.5), dbSNP rs1306807858.